The following is an entry in ClinVar:

ClinVar aggregate classification (germline): Conflicting classifications of pathogenicity. Review status: criteria provided, conflicting classifications (1 of 4 stars). 7 submissions from 7 submitters: Uncertain significance (1); Benign (1); Likely benign (4). 1 of the submissions does not count toward it. Last evaluated 2026-02-04.

Conditions:
LAMC2-related disorder. Also called: LAMC2-related condition.
Junctional epidermolysis bullosa. Identifiers: Orphanet 305, MedGen C0079301, MONDO:0017612.
Junctional epidermolysis bullosa gravis of Herlitz. Also called: Epidermolysis Bullosa Letalis; EPIDERMOLYSIS BULLOSA, JUNCTIONAL 1B, SEVERE; EPIDERMOLYSIS BULLOSA JUNCTIONALIS, HERLITZ TYPE; EPIDERMOLYSIS BULLOSA, JUNCTIONAL, HERLITZ-PEARSON TYPE; JEB-HERLITZ TYPE; Herlitz-type junctional epidermolysis bullosa. Identifiers: Orphanet 79404, MedGen C0079683, MONDO:0009182, OMIM 226700.

Allele frequency attached by ClinVar (database versions not stated): 1000 Genomes Project 0.00120; 1000 Genomes Project 30x 0.00125; ExAC 0.00227; TOPMed 0.00253; gnomAD 0.00257; gnomAD exomes 0.00259 and 0.00329; ESP Exome Variant Server 0.00269.
gnomAD v4.1: 5,196 of 1,614,010 alleles (0.32%); highest among the groups gnomAD compares: Middle Eastern, 0.64%; 12 homozygotes.

Submissions (7):

Labcorp Genetics (formerly Invitae), Labcorp
Classification: Benign. Last evaluated: 2026-02-04. Review status: criteria provided, single submitter. Criteria: Invitae Variant Classification Sherloc (09022015). Collection method: clinical testing. Allele origin: germline.

Blueprint Genetics
Classification: Likely benign. Last evaluated: 2024-11-25. Review status: criteria provided, single submitter. Criteria: ACMG Guidelines, 2015. Collection method: clinical testing. Allele origin: germline.

CeGaT Center for Human Genetics Tuebingen
Classification: Likely benign. Last evaluated: 2022-07-01. Review status: criteria provided, single submitter. Criteria: CeGaT Center For Human Genetics Tuebingen Variant Classification Criteria Version 2. Collection method: clinical testing. Allele origin: germline. Affected: yes. Observed: 1 variant allele.
Comment: LAMC2: BP4, BP7

Genome-Nilou Lab
Classification: Likely benign for Junctional epidermolysis bullosa gravis of Herlitz. Last evaluated: 2021-05-18. Review status: criteria provided, single submitter. Criteria: ACMG Guidelines, 2015. Collection method: clinical testing. Allele origin: germline. Affected: no.

Illumina Laboratory Services, Illumina
Classification: Likely benign for Junctional epidermolysis bullosa. Last evaluated: 2017-04-27. Review status: criteria provided, single submitter. Criteria: ICSL Variant Classification Criteria 13 December 2019. Collection method: clinical testing. Allele origin: germline.
Comment: This variant was observed as part of a predisposition screen in an ostensibly healthy population. A literature search was performed for the gene, cDNA change, and amino acid change (where applicable). No publications were found based on this search. Allele frequency data from public databases allowed determination this variant is unlikely to cause disease. Therefore, this variant is classified as likely benign.

Eurofins Ntd Llc (ga)
Classification: Uncertain significance. Last evaluated: 2016-04-22. Review status: criteria provided, single submitter. Criteria: EGL Classification Definitions 2015. Collection method: clinical testing. Allele origin: germline. Observed: 1 variant allele, 1 heterozygote.

PreventionGenetics, part of Exact Sciences
Classification: Likely benign for LAMC2-related condition. Last evaluated: 2024-07-12. Review status: no assertion criteria provided. Collection method: clinical testing. Allele origin: germline. Not counted in ClinVar's aggregate classification.
Comment: This variant is classified as likely benign based on ACMG/AMP sequence variant interpretation guidelines (Richards et al. 2015 PMID: 25741868, with internal and published modifications).

NM_005562.3(LAMC2):c.1899G>C (p.Leu633=)

Gene: LAMC2 (laminin subunit gamma 2; plus strand). Cytogenetic location: 1q25.3.
Variant type: single nucleotide variant.
Coding change: c.1899G>C on transcript NM_005562.3 (MANE Select); coding-DNA position 1899, G replaced by C.
Protein change: p.Leu633=; no amino-acid change (leucine 633 retained).
Molecular consequence: synonymous variant.
Genome position (GRCh38, 1-based): chr1:183,232,228, G>C. VCF-style: chr1-183232228-G-C. GRCh37 (hg19) VCF-style: chr1-183201363-G-C.
Other names: c.1899G>C, p.Leu633= (NM_018891.3).
Identifiers: ClinVar variation 287517 (VCV000287517.46), dbSNP rs141812464, ClinGen allele CA1282766.
Genomic context (GRCh38, chr1:183,232,228, plus strand): 5'-CTTTCCTGTGTGGTTTCAGATGGATCAGTTTATGCAGCAGCTTCAGAGAATGGAGGCCCT[G>C]ATTTCAAAGGCTCAGGGTGGTGATGGAGTAGTACCTGATACAGAGCTGGAAGGCAGGATG-3'
Protein context (NP_005553.2, residues 623-643): FMQQLQRMEA[Leu633=]ISKAQGGDGV